The following is an entry in ClinVar:

NM_020937.4(FANCM):c.6008+4T>C

Gene: FANCM (FA complementation group M; plus strand). Cytogenetic location: 14q21.2.
Variant type: single nucleotide variant.
Coding change: c.6008+4T>C on transcript NM_020937.4 (MANE Select); 4 bases into the intron after coding-DNA position 6008, T replaced by C.
Molecular consequence: intron variant.
Genome position (GRCh38, 1-based): chr14:45,198,939, T>C. VCF-style: chr14-45198939-T-C. GRCh37 (hg19) VCF-style: chr14-45668142-T-C.
Other names: c.5930+4T>C (NM_001308133.2).
Identifiers: ClinVar variation 2161269 (VCV002161269.4), dbSNP rs773985902, ClinGen allele CA7170094.

ClinVar aggregate classification (germline): Uncertain significance (1 of 4 stars; one submission).

Conditions:
Fanconi anemia (FA). Also called: Fanconi's anemia. Identifiers: Orphanet 84, MedGen C0015625, MeSH D005199, MONDO:0019391.

Allele frequency attached by ClinVar (database versions not stated): gnomAD exomes below 0.00001; ExAC 0.00001.
gnomAD v4.1: 2 of 1,595,204 alleles (0.00013%); highest among the groups gnomAD compares: South Asian, 0.0011%; no homozygotes.

Submission:

Labcorp Genetics (formerly Invitae), Labcorp
Classification: Uncertain significance for Fanconi anemia. Last evaluated: 2024-09-19. Review status: criteria provided, single submitter. Criteria: Invitae Variant Classification Sherloc (09022015). Collection method: clinical testing. Allele origin: germline.
Comment: This sequence change falls in intron 22 of the FANCM gene. It does not directly change the encoded amino acid sequence of the FANCM protein. It affects a nucleotide within the consensus splice site. This variant is present in population databases (rs773985902, gnomAD 0.01%). This variant has not been reported in the literature in individuals affected with FANCM-related conditions. ClinVar contains an entry for this variant (Variation ID: 2161269). Variants that disrupt the consensus splice site are a relatively common cause of aberrant splicing (PMID: 17576681, 9536098). Algorithms developed to predict the effect of sequence changes on RNA splicing suggest that this variant is not likely to affect RNA splicing. In summary, the available evidence is currently insufficient to determine the role of this variant in disease. Therefore, it has been classified as a Variant of Uncertain Significance.

Literature cited by the submitters: PubMed 17576681; PubMed 9536098.